The following is an entry in ClinVar:

NM_001375380.1(EBF3):c.781+1G>A

Gene: EBF3 (EBF transcription factor 3; minus strand). Cytogenetic location: 10q26.3.
Variant type: single nucleotide variant.
Coding change: c.781+1G>A on transcript NM_001375380.1 (MANE Select); the canonical splice donor site of the intron after coding-DNA position 781, G replaced by A.
Molecular consequence: splice donor variant. On other transcripts: intron variant (3).
Genome position (GRCh38, 1-based): chr10:129,873,451, C>T on the plus strand (G>A on the coding strand, the complement: EBF3 is on the minus strand). VCF-style: chr10-129873451-C-T. GRCh37 (hg19) VCF-style: chr10-131671715-C-T.
Other names: c.754+28G>A (NM_001375392.1, NM_001005463.3, NM_001375390.1); c.781+1G>A (NM_001375391.1, NM_001375389.1, NM_001375379.1).
Identifiers: ClinVar variation 5007669 (VCV005007669.2).

ClinVar aggregate classification (germline): Uncertain significance (1 of 4 stars; one submission).

Conditions:
Hypotonia, ataxia, and delayed development syndrome (HADDS). Also called: EBF3 Neurodevelopmental Disorder. Identifiers: Orphanet 658843, MedGen C4310618, MONDO:0015021, OMIM 617330.

gnomAD v4.1: 2 of 1,526,924 alleles (0.00013%); highest among the groups gnomAD compares: African/African-American, 0.0014%; no homozygotes.

Submission:

Juno Genomics, Hangzhou Juno Genomics, Inc
Classification: Uncertain significance for Hypotonia, ataxia, and delayed development syndrome. Review status: criteria provided, single submitter. Criteria: ACMG Guidelines, 2015. Collection method: clinical testing. Allele origin: germline.
Comment: Absent from controls (or at extremely low frequency if recessive) in Genome Aggregation Database.;Observed in a healthy adult individual for a recessive/dominant/X-linked disorder with full penetrance.;Null variant in a gene where loss of function (LOF) is a known mechanism of disease.